The following is an entry in ClinVar:

ClinVar aggregate classification (germline): Uncertain significance (1 of 4 stars; one submission).

Allele frequency attached by ClinVar (database versions not stated): gnomAD exomes below 0.00001; gnomAD 0.00001.
gnomAD v4.1: 9 of 1,614,034 alleles (0.00056%); highest among the groups gnomAD compares: Non-Finnish European, 0.00068%; no homozygotes.

Submission:

Labcorp Genetics (formerly Invitae), Labcorp
Classification: Uncertain significance. Last evaluated: 2021-11-09. Review status: criteria provided, single submitter. Criteria: Invitae Variant Classification Sherloc (09022015). Collection method: clinical testing. Allele origin: germline.
Comment: This sequence change replaces arginine, which is basic and polar, with glycine, which is neutral and non-polar, at codon 1225 of the LRP2 protein (p.Arg1225Gly). This variant is not present in population databases (gnomAD no frequency). This variant has not been reported in the literature in individuals affected with LRP2-related conditions. Advanced modeling of protein sequence and biophysical properties (such as structural, functional, and spatial information, amino acid conservation, physicochemical variation, residue mobility, and thermodynamic stability) performed at Invitae indicates that this missense variant is expected to disrupt LRP2 protein function. In summary, the available evidence is currently insufficient to determine the role of this variant in disease. Therefore, it has been classified as a Variant of Uncertain Significance.

NM_004525.3(LRP2):c.3673A>G (p.Arg1225Gly)

Gene: LRP2 (LDL receptor related protein 2; minus strand). Cytogenetic location: 2q31.1.
Variant type: single nucleotide variant.
Coding change: c.3673A>G on transcript NM_004525.3 (MANE Select); coding-DNA position 3673, A replaced by G.
Protein change: p.Arg1225Gly; replaces arginine 1225 with glycine.
Molecular consequence: missense variant.
Genome position (GRCh38, 1-based): chr2:169,241,360, T>C on the plus strand (A>G on the coding strand, the complement: LRP2 is on the minus strand). VCF-style: chr2-169241360-T-C. GRCh37 (hg19) VCF-style: chr2-170097870-T-C.
Other names: short protein forms R1225G.
Identifiers: ClinVar variation 1349742 (VCV001349742.3), dbSNP rs1689797556, ClinGen allele CA349148957.